The following is an entry in ClinVar:

ClinVar aggregate classification (germline): Uncertain significance (1 of 4 stars; one submission).

Conditions:
Hereditary hemochromatosis (HFE). Identifiers: MedGen C0392514, MONDO:0006507. Disease mechanism: loss of function.

gnomAD v4.1: 10 of 1,614,186 alleles (0.00062%); highest among the groups gnomAD compares: Middle Eastern, 0.016%; no homozygotes.

Submission:

Labcorp Genetics (formerly Invitae), Labcorp
Classification: Uncertain significance for Hereditary hemochromatosis. Last evaluated: 2025-11-25. Review status: criteria provided, single submitter. Criteria: Invitae Variant Classification Sherloc (09022015). Collection method: clinical testing. Allele origin: germline.
Comment: This sequence change replaces phenylalanine, which is neutral and non-polar, with leucine, which is neutral and non-polar, at codon 251 of the HFE protein (p.Phe251Leu). This variant is present in population databases (rs150402693, gnomAD 0.003%). This missense change has been observed in individual(s) with clinical features of hereditary hemochromatosis (internal data). In at least one individual the data is consistent with being in trans (on the opposite chromosome) from a pathogenic variant. Invitae Evidence Modeling of protein sequence and biophysical properties (such as structural, functional, and spatial information, amino acid conservation, physicochemical variation, residue mobility, and thermodynamic stability) indicates that this missense variant is not expected to disrupt HFE protein function with a negative predictive value of 80%. In summary, the available evidence is currently insufficient to determine the role of this variant in disease. Therefore, it has been classified as a Variant of Uncertain Significance.

NM_000410.4(HFE):c.753C>A (p.Phe251Leu)

Gene: HFE (homeostatic iron regulator; plus strand). Cytogenetic location: 6p22.2.
Variant type: single nucleotide variant.
Coding change: c.753C>A on transcript NM_000410.4 (MANE Select); coding-DNA position 753, C replaced by A.
Protein change: p.Phe251Leu; replaces phenylalanine 251 with leucine.
Molecular consequence: missense variant. On other transcripts: intron variant (1).
Genome position (GRCh38, 1-based): chr6:26,092,821, C>A. VCF-style: chr6-26092821-C-A. GRCh37 (hg19) VCF-style: chr6-26093049-C-A.
Other names: c.753C>A, p.Phe251Leu (NM_001300749.3, NM_001384164.1); c.744C>A, p.Phe248Leu (NM_001406751.1); c.489C>A, p.Phe163Leu (NM_001406752.1, NM_139007.3); c.435C>A, p.Phe145Leu (NM_139003.3); c.477C>A, p.Phe159Leu (NM_139004.3); c.711C>A, p.Phe237Leu (NM_139006.3); c.447C>A, p.Phe149Leu (NM_139008.3); c.684C>A, p.Phe228Leu (NM_139009.3); and 2 more; short protein forms F145L, F149L, F159L, F163L, F228L, F237L, F248L, F251L.
Identifiers: ClinVar variation 4804953 (VCV004804953.1).
Genomic context (GRCh38, chr6:26,092,821, plus strand): 5'-CCCCCAGAACATCACCATGAAGTGGCTGAAGGATAAGCAGCCAATGGATGCCAAGGAGTT[C>A]GAACCTAAAGACGTATTGCCCAATGGGGATGGGACCTACCAGGGCTGGATAACCTTGGCT-3'
Protein context (NP_000401.1, residues 241-261): KDKQPMDAKE[Phe251Leu]EPKDVLPNGD